The following is an entry in ClinVar:

NM_000929.3(PLA2G5):c.230A>G (p.Lys77Arg)

Gene: PLA2G5 (phospholipase A2 group V; plus strand). Cytogenetic location: 1p36.13.
Variant type: single nucleotide variant.
Coding change: c.230A>G on transcript NM_000929.3 (MANE Select); coding-DNA position 230, A replaced by G.
Protein change: p.Lys77Arg; replaces lysine 77 with arginine.
Molecular consequence: missense variant.
Genome position (GRCh38, 1-based): chr1:20,089,833, A>G. VCF-style: chr1-20089833-A-G. GRCh37 (hg19) VCF-style: chr1-20416326-A-G.
Other names: short protein forms K77R.
Identifiers: ClinVar variation 1471994 (VCV001471994.8), dbSNP rs2100647768, ClinGen allele CA338821867.

ClinVar aggregate classification (germline): Uncertain significance (1 of 4 stars; one submission).

Submission:

Labcorp Genetics (formerly Invitae), Labcorp
Classification: Uncertain significance. Last evaluated: 2021-04-29. Review status: criteria provided, single submitter. Criteria: Invitae Variant Classification Sherloc (09022015). Collection method: clinical testing. Allele origin: germline.
Comment: In summary, the available evidence is currently insufficient to determine the role of this variant in disease. Therefore, it has been classified as a Variant of Uncertain Significance. Algorithms developed to predict the effect of missense changes on protein structure and function output the following: SIFT: "Tolerated"; PolyPhen-2: "Benign"; Align-GVGD: "Class C0". The arginine amino acid residue is found in multiple mammalian species, suggesting that this missense change does not adversely affect protein function. These predictions have not been confirmed by published functional studies and their clinical significance is uncertain. This variant has not been reported in the literature in individuals with PLA2G5-related conditions. This variant is not present in population databases (ExAC no frequency). This sequence change replaces lysine with arginine at codon 77 of the PLA2G5 protein (p.Lys77Arg). The lysine residue is moderately conserved and there is a small physicochemical difference between lysine and arginine.